The following is an entry in ClinVar:

NM_021871.4(FGA):c.364+4_364+7del

Gene: FGA (fibrinogen alpha chain; minus strand). Cytogenetic location: 4q31.3.
Variant type: Microsatellite.
Coding change: c.364+4_364+7del on transcript NM_021871.4 (MANE Select); bases 4 to 7 of the intron after coding-DNA position 364, 4 bases deleted (AGTA; older notation c.364+4_364+7delAGTA).
Molecular consequence: splice donor variant.
Genome position (GRCh38, 1-based): chr4:154,588,786-154,588,789, TACT deleted on the plus strand (AGTA on the coding strand, the reverse complement: FGA is on the minus strand); deleting any 4 consecutive bases within chr4:154,588,786-154,588,793 gives the same sequence; the c. name uses the placement nearest the transcript's 3' end. VCF-style (leftmost placement, unchanged base first): chr4-154588785-ATACT-A. GRCh37 (hg19) VCF-style: chr4-155509937-ATACT-A.
Other names: c.364+4_364+7del (NM_000508.5); c.364+4_364+7delAGTA (NM_021871.4).
Identifiers: ClinVar variation 4887306 (VCV004887306.1).

ClinVar aggregate classification (germline): Pathogenic (1 of 4 stars; one submission).

Conditions:
Familial dysfibrinogenemia. Also called: Dysfibrinogenemia, congenital. Identifiers: Orphanet 335, Orphanet 98881, MedGen C0272350, MONDO:0014452, OMIM 616004.

Submission:

Women's Health and Genetics/Laboratory Corporation of America, LabCorp
Classification: Pathogenic for Familial dysfibrinogenemia. Last evaluated: 2026-06-12. Review status: criteria provided, single submitter. Criteria: LabCorp Variant Classification Summary - May 2015. Collection method: clinical testing. Allele origin: germline.
Comment: Variant summary: FGA c.364+4_364+7delAGTA alters a nucleotide located close to a canonical splice site and therefore could affect mRNA splicing, leading to a significantly altered protein sequence. Several computational tools predict a significant impact on normal splicing: Three predict the variant abolishes a 5' splicing donor site. At least one publication reports experimental evidence that this variant affects mRNA splicing (Attanasio_2003). The variant allele was found at a frequency of 4e-06 in 250308 control chromosomes. c.364+4_364+7delAGTA has been observed in multiple homozygous individuals affected with Dysfibrinogenemia, Congenital (e.g. Neerman_2001, Hadjali_2022). At least one individual is reported to have a compound heterozygous genotype, with another pathogenic variant identified in trans. These data indicate that the variant is very likely to be associated with disease. The following publications have been ascertained in the context of this evaluation (PMID: 12406899, 35488806, 11354637). No submitters have cited clinical-significance assessments for this variant to ClinVar. Based on the evidence outlined above, the variant was classified as pathogenic for autosomal dominant and autosomal recessive Congenital Dysfibrinogenemia.

Literature cited by the submitters: PubMed 12406899; PubMed 35488806; PubMed 11354637.